The following is an entry in ClinVar:

NC_000014.8:g.(?_105236678)_(105258980_?)dup

Gene: AKT1 (AKT serine/threonine kinase 1; minus strand). Cytogenetic location: 14q32.33.
Variant type: Duplication.
Identifiers: ClinVar variation 2425305 (VCV002425305.4).

ClinVar aggregate classification (germline): Uncertain significance (1 of 4 stars; one submission).

Conditions:
Cowden syndrome 6 (CWS6). Identifiers: Orphanet 201, MedGen C3554519, MONDO:0014048, OMIM 615109.

Submission:

Labcorp Genetics (formerly Invitae), Labcorp
Classification: Uncertain significance for Cowden syndrome 6. Last evaluated: 2022-02-23. Review status: criteria provided, single submitter. Criteria: Invitae Variant Classification Sherloc (09022015). Collection method: clinical testing. Allele origin: germline.
Comment: In summary, the available evidence is currently insufficient to determine the role of this variant in disease. Therefore, it has been classified as a Variant of Uncertain Significance. Experimental studies and prediction algorithms are not available or were not evaluated, and the functional significance of this variant is currently unknown. This variant has not been reported in the literature in individuals affected with AKT1-related conditions. A copy number gain of the genomic region encompassing the full coding sequence of the AKT1 gene has been identified. The boundaries of this event are unknown as they extend beyond the assayed region for this gene and therefore may encompass additional genes. As the precise location of this event is unknown, it may be in tandem or it may be located elsewhere in the genome.